The following is an entry in ClinVar:

NM_001364905.1(LRBA):c.5084T>C (p.Val1695Ala)

Gene: LRBA (LPS responsive beige-like anchor protein; minus strand). Cytogenetic location: 4q31.3.
Variant type: single nucleotide variant.
Coding change: c.5084T>C on transcript NM_001364905.1 (MANE Select); coding-DNA position 5084, T replaced by C.
Protein change: p.Val1695Ala; replaces valine 1695 with alanine.
Molecular consequence: missense variant.
Genome position (GRCh38, 1-based): chr4:150,828,267, A>G on the plus strand (T>C on the coding strand, the complement: LRBA is on the minus strand). VCF-style: chr4-150828267-A-G. GRCh37 (hg19) VCF-style: chr4-151749419-A-G.
Other names: p.Val1695Ala; c.5084T>C, p.Val1695Ala (NM_006726.5, NM_001199282.3, NM_001367550.1); short protein forms V1695A.
Identifiers: ClinVar variation 473179 (VCV000473179.8), dbSNP rs200935054, ClinGen allele CA3102582.

ClinVar aggregate classification (germline): Uncertain significance. Review status: criteria provided, multiple submitters, no conflicts (2 of 4 stars). 3 submissions from 3 submitters: Uncertain significance (3). Last evaluated 2023-11-28.

Conditions:
Combined immunodeficiency due to LRBA deficiency. Also called: Common variable immunodeficiency 8, with autoimmunity. Identifiers: Orphanet 445018, MedGen C3553512, MONDO:0013863, OMIM 614700.

Allele frequency attached by ClinVar (database versions not stated): gnomAD 0.00001 and 0.00003; TOPMed 0.00002; ExAC 0.00007; gnomAD exomes 0.00007; 1000 Genomes Project 30x 0.00016; 1000 Genomes Project 0.00020.
gnomAD v4.1: 79 of 1,614,190 alleles (0.0049%); highest among the groups gnomAD compares: East Asian, 0.13%; no homozygotes.

Submissions (3):

Labcorp Genetics (formerly Invitae), Labcorp
Classification: Uncertain significance for Combined immunodeficiency due to LRBA deficiency. Last evaluated: 2023-11-28. Review status: criteria provided, single submitter. Criteria: Invitae Variant Classification Sherloc (09022015). Collection method: clinical testing. Allele origin: germline.
Comment: This sequence change replaces valine, which is neutral and non-polar, with alanine, which is neutral and non-polar, at codon 1695 of the LRBA protein (p.Val1695Ala). This variant is present in population databases (rs200935054, gnomAD 0.1%). This missense change has been observed in individual(s) with common variable immunodeficiency (PMID: 30363934). ClinVar contains an entry for this variant (Variation ID: 473179). Advanced modeling of protein sequence and biophysical properties (such as structural, functional, and spatial information, amino acid conservation, physicochemical variation, residue mobility, and thermodynamic stability) performed at Invitae indicates that this missense variant is not expected to disrupt LRBA protein function with a negative predictive value of 80%. In summary, the available evidence is currently insufficient to determine the role of this variant in disease. Therefore, it has been classified as a Variant of Uncertain Significance.

Mayo Clinic Laboratories, Mayo Clinic
Classification: Uncertain significance. Last evaluated: 2022-11-16. Review status: criteria provided, single submitter. Criteria: ACMG Guidelines, 2015. Collection method: clinical testing. Allele origin: germline. Observed: 1 variant allele.
Comment: BP4

Fulgent Genetics
Classification: Uncertain significance for Combined immunodeficiency due to LRBA deficiency. Last evaluated: 2018-10-31. Review status: criteria provided, single submitter. Criteria: ACMG Guidelines, 2015. Collection method: clinical testing. Allele origin: unknown.

Literature cited by the submitters: PubMed 30363934 (cited by Labcorp Genetics (formerly Invitae), Labcorp and Mayo Clinic Laboratories, Mayo Clinic).